The following is an entry in ClinVar:

NM_001046.3(SLC12A2):c.2962C>A (p.Pro988Thr)

Gene: SLC12A2 (solute carrier family 12 member 2; plus strand). Cytogenetic location: 5q23.3.
Variant type: single nucleotide variant.
Coding change: c.2962C>A on transcript NM_001046.3 (MANE Select); coding-DNA position 2962, C replaced by A.
Protein change: p.Pro988Thr; replaces proline 988 with threonine.
Molecular consequence: missense variant. On other transcripts: non-coding transcript variant (1), intron variant (1).
Genome position (GRCh38, 1-based): chr5:128,177,137, C>A. VCF-style: chr5-128177137-C-A. GRCh37 (hg19) VCF-style: chr5-127512829-C-A.
Other names: c.2930-1430C>A (NM_001256461.2); short protein forms P988T.
Identifiers: ClinVar variation 804309 (VCV000804309.6), dbSNP rs1581138965, ClinGen allele CA360737996.

ClinVar aggregate classification (germline): Uncertain significance. Review status: criteria provided, single submitter (1 of 4 stars). 3 submissions from 3 submitters: Uncertain significance (1). 2 of the submissions do not count toward it.

Conditions:
Hearing loss, autosomal dominant 78. Also called: DEAFNESS, AUTOSOMAL DOMINANT 78. Identifiers: MedGen C5436768, MONDO:0033665, OMIM 619081.
Hearing loss. Identifiers: MedGen C3887873.
Kilquist syndrome (KILQS). Also called: SLC12A2-related autosomal recessive neonatal-developmental delay-intellectual disability-feeding difficulty-sensorineural deafness syndrome. Identifiers: Orphanet 633021, MedGen C5436756, MONDO:0033664, OMIM 619080.
Delpire-McNeill syndrome. Also called: SLC12A2-related autosomal dominant infantile-developmental delay-intellectual disability-sensorineural deafness syndrome. Identifiers: Orphanet 633024, MedGen C5436771, MONDO:0033667, OMIM 619083.

Submissions (3):

Juno Genomics, Hangzhou Juno Genomics, Inc
Classification: Uncertain significance for Hearing loss, autosomal dominant 78; Delpire-McNeill syndrome; Kilquist syndrome. Review status: criteria provided, single submitter. Criteria: ACMG Guidelines, 2015. Collection method: clinical testing. Allele origin: germline. Affected: yes.
Comment: Absent from controls (or at extremely low frequency if recessive) in Genome Aggregation Database, Exome Sequencing Project, 1000 Genomes Project, or Exome Aggregation Consortium.;De novo (both maternity and paternity confirmed) in a patient with the disease and no family history.;The prevalence of the variant in affected individuals is significantly increased compared to the prevalence in controls.;Well-established in vitro or in vivo functional studies supportive of a damaging effect on the gene or gene product.;Patient's phenotype or family history is highly specific for a disease with a single genetic etiology.

OMIM
Classification: Pathogenic for DEAFNESS, AUTOSOMAL DOMINANT 78. Last evaluated: 2020-11-09. Review status: no assertion criteria provided. Collection method: literature only. Allele origin: germline. Not counted in ClinVar's aggregate classification.

National Institute of Sensory Organs, National Hospital Organization Tokyo Medical Center
Classification: association for Hearing loss. Last evaluated: 2019-09-10. Review status: no assertion criteria provided. Collection method: clinical testing, in vitro. Allele origin: de novo, germline. Inheritance: Sporadic. Affected: yes. Observed: 1 variant allele, 2 heterozygotes. Clinical features observed: Hearing impairment (HP:0000365), Sensorineural hearing loss (HP:0000407), Profound hearing impairment (HP:0012715). Functional consequence: loss_of_function_variant. Segregation with disease observed. Not counted in ClinVar's aggregate classification.
Comment: de novo variant, in vitro experiment

Literature cited by the submitters: PubMed 32294086 (cited by OMIM).